The following is an entry in ClinVar:

NM_024298.5(MBOAT7):c.854+7C>T

Gene: MBOAT7 (membrane bound acylglycerophosphatidylinositol O-acyltransferase MBOAT7; minus strand). Cytogenetic location: 19q13.42.
Variant type: single nucleotide variant.
Coding change: c.854+7C>T on transcript NM_024298.5 (MANE Select); 7 bases into the intron after coding-DNA position 854, C replaced by T.
Molecular consequence: intron variant.
Genome position (GRCh38, 1-based): chr19:54,180,766, G>A on the plus strand (C>T on the coding strand, the complement: MBOAT7 is on the minus strand). VCF-style: chr19-54180766-G-A. GRCh37 (hg19) VCF-style: chr19-54684483-G-A.
Other names: c.635+7C>T (NM_001146056.3, NM_001146083.3); c.854+7C>T (NM_001146082.3).
Identifiers: ClinVar variation 3055118 (VCV003055118.3), dbSNP rs368650520, ClinGen allele CA309346578.

ClinVar aggregate classification (germline): Likely benign. Review status: criteria provided, single submitter (1 of 4 stars). 2 submissions from 2 submitters: Likely benign (1). 1 of the submissions does not count toward it. Last evaluated 2024-11-21.

Conditions:
MBOAT7-related disorder. Also called: MBOAT7-related condition.

Allele frequency attached by ClinVar (database versions not stated): 1000 Genomes Project 30x 0.00094; 1000 Genomes Project 0.00140; ExAC 0.00144.
gnomAD v4.1: 163 of 1,516,466 alleles (0.011%); highest among the groups gnomAD compares: East Asian, 0.27%; 2 homozygotes.

Submissions (2):

Blueprint Genetics
Classification: Likely benign. Last evaluated: 2024-11-21. Review status: criteria provided, single submitter. Criteria: ACMG Guidelines, 2015. Collection method: clinical testing. Allele origin: germline.

PreventionGenetics, part of Exact Sciences
Classification: Likely benign for MBOAT7-related condition. Last evaluated: 2021-08-24. Review status: no assertion criteria provided. Collection method: clinical testing. Allele origin: germline. Not counted in ClinVar's aggregate classification.
Comment: This variant is classified as likely benign based on ACMG/AMP sequence variant interpretation guidelines (Richards et al. 2015 PMID: 25741868, with internal and published modifications).